The following is an entry in ClinVar:

ClinVar aggregate classification (germline): Pathogenic (1 of 4 stars; one submission).

Conditions:
Early-infantile DEE. Also called: Ohtahara syndrome; Early infantile epileptic encephalopathy with suppression bursts; Early infantile epileptic encephalopathy. Identifiers: Orphanet 1934, MedGen C0393706, MONDO:0800491.

Submission:

Labcorp Genetics (formerly Invitae), Labcorp
Classification: Pathogenic for Early-infantile DEE. Last evaluated: 2024-02-24. Review status: criteria provided, single submitter. Criteria: Invitae Variant Classification Sherloc (09022015). Collection method: clinical testing. Allele origin: germline.
Comment: This sequence change creates a premature translational stop signal (p.Phe1132*) in the SCN1A gene. It is expected to result in an absent or disrupted protein product. Loss-of-function variants in SCN1A are known to be pathogenic (PMID: 17347258, 18930999). This variant is not present in population databases (gnomAD no frequency). This variant has not been reported in the literature in individuals affected with SCN1A-related conditions. ClinVar contains an entry for this variant (Variation ID: 1069543). For these reasons, this variant has been classified as Pathogenic.

Literature cited by the submitters: PubMed 17347258; PubMed 18930999.

NM_001165963.4(SCN1A):c.3395_3396del (p.Asp1131_Phe1132insTer)

Genes: SCN1A (sodium voltage-gated channel alpha subunit 1; minus strand), LOC102724058 (uncharacterized LOC102724058; plus strand). Cytogenetic location: 2q24.3.
Variant type: Deletion.
Coding change: c.3395_3396del on transcript NM_001165963.4 (MANE Select); coding-DNA positions 3395 to 3396, 2 bases deleted (TT; older notation c.3395_3396delTT).
Protein change: p.Asp1131_Phe1132insTer.
Molecular consequence: nonsense. On other transcripts: non-coding transcript variant (2).
Genome position (GRCh38, 1-based): chr2:166,036,081-166,036,082, AA deleted on the plus strand (TT on the coding strand, the reverse complement: SCN1A is on the minus strand); deleting any 2 consecutive bases within chr2:166,036,081-166,036,083 gives the same sequence; the c. name uses the placement nearest the transcript's 3' end. VCF-style (leftmost placement, unchanged base first): chr2-166036080-TAA-T. GRCh37 (hg19) VCF-style: chr2-166892590-TAA-T.
Other names: c.3311_3312del, p.Asp1103_Phe1104insTer (NM_001165964.3, NM_001353957.2, NM_001353958.2); c.3395_3396del, p.Asp1131_Phe1132insTer (NM_001202435.3, NM_001353948.2); c.3362_3363del, p.Asp1120_Phe1121insTer (NM_001353949.2, NM_001353950.2, NM_001353951.2 and 2 more transcripts); c.3359_3360del, p.Asp1119_Phe1120insTer (NM_001353954.2, NM_001353955.2); c.3308_3309del, p.Asp1102_Phe1103insTer (NM_001353960.2); c.953_954del, p.Asp317_Phe318insTer (NM_001353961.2).
Identifiers: ClinVar variation 1069543 (VCV001069543.8), dbSNP rs2105793178, ClinGen allele CA2499215180.